The following is an entry in ClinVar:

ClinVar aggregate classification (germline): Uncertain significance (1 of 4 stars; one submission).

Conditions:
PLXNA4-related disorder. Also called: PLXNA4-related condition.

gnomAD v4.1: 2 of 1,613,678 alleles (0.00012%); highest among the groups gnomAD compares: African/African-American, 0.0013%; no homozygotes.

Submission:

PreventionGenetics, part of Exact Sciences
Classification: Uncertain significance for PLXNA4-related condition. Last evaluated: 2026-09-02. Review status: criteria provided, single submitter. Criteria: ACMG Guidelines, 2015. Collection method: clinical testing. Allele origin: germline.
Comment: The PLXNA4 c.5587G>C variant is predicted to result in the amino acid substitution p.Glu1863Gln. To our knowledge, this variant has not been reported in the literature. This variant is reported in 0.0065% of alleles in individuals of African descent in gnomAD. At this time, the clinical significance of this variant is uncertain due to the absence of conclusive functional and genetic evidence.

NM_020911.2(PLXNA4):c.5587G>C (p.Glu1863Gln)

Gene: PLXNA4 (plexin A4; minus strand). Cytogenetic location: 7q32.3.
Variant type: single nucleotide variant.
Coding change: c.5587G>C on transcript NM_020911.2 (MANE Select); coding-DNA position 5587, G replaced by C.
Protein change: p.Glu1863Gln; replaces glutamic acid 1863 with glutamine.
Molecular consequence: missense variant.
Genome position (GRCh38, 1-based): chr7:132,133,051, C>G on the plus strand (G>C on the coding strand, the complement: PLXNA4 is on the minus strand). VCF-style: chr7-132133051-C-G. GRCh37 (hg19) VCF-style: chr7-131817810-C-G.
Other names: c.5587G>C, p.Glu1863Gln (NM_001393897.1); short protein forms E1863Q.
Identifiers: ClinVar variation 3353355 (VCV003353355.2).